The following is an entry in ClinVar:

NM_025233.7(COASY):c.1495C>T (p.Arg499Cys)

Gene: COASY (Coenzyme A synthase; plus strand). Cytogenetic location: 17q21.2.
Variant type: single nucleotide variant.
Coding change: c.1495C>T on transcript NM_025233.7 (MANE Select); coding-DNA position 1495, C replaced by T.
Protein change: p.Arg499Cys; replaces arginine 499 with cysteine.
Molecular consequence: missense variant.
Genome position (GRCh38, 1-based): chr17:42,565,668, C>T. VCF-style: chr17-42565668-C-T. GRCh37 (hg19) VCF-style: chr17-40717686-C-T.
Other names: c.1495C>T, p.Arg499Cys (NM_001042529.3); c.1582C>T, p.Arg528Cys (NM_001042532.4); short protein forms R499C, R528C.
Identifiers: ClinVar variation 100662 (VCV000100662.19), dbSNP rs140709867, ClinGen allele CA150599.
Genomic context (GRCh38, chr17:42,565,668, plus strand): 5'-CCTATCCTGTGAGCTGGAATTCTTCCTGACAAATGTCTCGTCTGTGCTCAGGCTGTAAGA[C>T]GCATTGTGGAGAGGGATGGCCTCAGTGAAGCCGCGGCTCAAAGCCGGCTGCAGAGCCAGA-3'
Protein context (NP_079509.5, residues 489-509): AVIPETEAVR[Arg499Cys]IVERDGLSEA

ClinVar aggregate classification (germline): Pathogenic. Review status: criteria provided, multiple submitters, no conflicts (2 of 4 stars). 8 submissions from 8 submitters: Pathogenic (7). 1 of the submissions does not count toward it. Last evaluated 2026-01-20.

Conditions:
Neurodegeneration with brain iron accumulation 6 (NBIA6). Also called: COASY protein-associated neurodegeneration. Identifiers: Orphanet 397725, MedGen C4517377, MONDO:0014290, OMIM 615643.
Neurodegeneration with brain iron accumulation (NBIA). Identifiers: Orphanet 385, MedGen C2931845, MONDO:0018307.

Allele frequency attached by ClinVar (database versions not stated): gnomAD 0.00001; ESP Exome Variant Server 0.00008; TOPMed 0.00002.
gnomAD v4.1: 40 of 1,614,010 alleles (0.0025%); highest among the groups gnomAD compares: Admixed American, 0.005%; no homozygotes.

Submissions (8):

3billion
Classification: Pathogenic for Neurodegeneration with brain iron accumulation 6. Last evaluated: 2026-01-20. Review status: criteria provided, single submitter. Criteria: ACMG Guidelines, 2015. Collection method: clinical testing. Allele origin: germline. Affected: yes.
Comment: The variant is observed at an extremely low frequency in the gnomAD v4.1.0 dataset (total allele frequency: 0.002%). Predicted Consequence/Location: Missense variant Functional studies provide supporting evidence of the variant having a damaging effect on the gene or gene product (PMID: 24360804). In silico tool predictions suggest damaging effect of the variant on gene or gene product [REVEL: 0.93 (>=0.6, sensitivity 0.68 and specificity 0.92); 3Cnet: 0.97 (> 0.75, sensitivity 0.96 and precision 0.92)]. The same nucleotide change resulting in the same amino acid change has been previously reported as pathogenic/likely pathogenic with strong evidence (ClinVar ID: VCV000100662 /PMID: 24360804). The variant has been reported to be in trans with a pathogenic variant as either compound heterozygous or homozygous in at least one similarly affected unrelated individual (PMID: 24360804). The variant has been reported to co-segregate with the disease in at least one similarly affected relative/individual in the same family or similarly affected unrelated families (PMID: 28688840). Therefore, this variant is classified as Pathogenic according to the recommendation of ACMG/AMP guideline.

Labcorp Genetics (formerly Invitae), Labcorp
Classification: Pathogenic for Neurodegeneration with brain iron accumulation 6. Last evaluated: 2024-03-02. Review status: criteria provided, single submitter. Criteria: Invitae Variant Classification Sherloc (09022015). Collection method: clinical testing. Allele origin: germline.
Comment: This sequence change replaces arginine, which is basic and polar, with cysteine, which is neutral and slightly polar, at codon 499 of the COASY protein (p.Arg499Cys). This variant is present in population databases (rs140709867, gnomAD 0.009%). This missense change has been observed in individual(s) with neurodegeneration with brain iron accumulation (PMID: 24360804, 27021474, 28489334). In at least one individual the data is consistent with being in trans (on the opposite chromosome) from a pathogenic variant. It has also been observed to segregate with disease in related individuals. ClinVar contains an entry for this variant (Variation ID: 100662). Advanced modeling of protein sequence and biophysical properties (such as structural, functional, and spatial information, amino acid conservation, physicochemical variation, residue mobility, and thermodynamic stability) performed at Invitae indicates that this missense variant is expected to disrupt COASY protein function with a positive predictive value of 80%. Experimental studies have shown that this missense change affects COASY function (PMID: 24360804). For these reasons, this variant has been classified as Pathogenic.

Women's Health and Genetics/Laboratory Corporation of America, LabCorp
Classification: Pathogenic for Neurodegeneration with brain iron accumulation. Last evaluated: 2022-09-22. Review status: criteria provided, single submitter. Criteria: LabCorp Variant Classification Summary - May 2015. Collection method: clinical testing. Allele origin: germline.
Comment: Variant summary: COASY c.1495C>T (p.Arg499Cys) results in a non-conservative amino acid change in the encoded protein sequence. Five of five in-silico tools predict a damaging effect of the variant on protein function. The variant allele was found at a frequency of 2.4e-05 in 251206 control chromosomes. c.1495C>T has been reported in the literature in multiple individuals affected with Neurodegeneration With Brain Iron Accumulation (example Dusi_2014, Evers_2017 and Hiraide_2021 etc.) These data indicate that the variant is very likely to be associated with disease. At least two publications report experimental evidence reporting significant decrease in enzyme function and decrease in protein accumulation (example Dusi_2014 and Berti_2015 etc). Five clinical diagnostic laboratories have submitted clinical-significance assessments for this variant to ClinVar after 2014 and classified the variant as pathogenic. Based on the evidence outlined above, the variant was classified as pathogenic.

Greenwood Genetic Center Diagnostic Laboratories, Greenwood Genetic Center
Classification: Pathogenic for Neurodegeneration with brain iron accumulation 6. Last evaluated: 2022-06-27. Review status: criteria provided, single submitter. Criteria: ACMG Guidelines, 2015. Collection method: clinical testing. Allele origin: germline. Affected: yes.
Comment: PS3 PM3 PM2 PM1

Molecular Genetics, Royal Melbourne Hospital
Classification: Pathogenic for Neurodegeneration with brain iron accumulation 6. Last evaluated: 2021-02-26. Review status: criteria provided, single submitter. Criteria: ACMG Guidelines, 2015. Collection method: clinical testing. Allele origin: germline. Affected: yes.
Comment: This sequence change is predicted to replace arginine with cysteine at codon 499 of the COASY protein (p.(Arg499Cys)). The arginine residue is evolutionarily conserved (100 vertebrates, UCSC), and is a critical residue for ATP binding and phosphotransfer reaction in the dephospho-CoA kinase (DPCK) domain (PMID: 21264299). There is a large physicochemical difference between arginine and cysteine. The variant is present in a large population cohort at a frequency of 0.002% (rs140709867, 6/251,206 alleles, 0 homozygotes in gnomAD v2.1), which is consistent with recessive disease. The variant has been identified in the homozygous state and compound heterozygous with a second pathogenic allele in at least four individuals with neurodegeneration with brain iron accumulation (NBIA) and segregates with disease (PMID: 24360804, 28489334; DECIPHER; Royal Melbourne Hospital). The variant disrupts enzyme activity in functional assays and a yeast model partially recapitulates the NBIA phenotype (PMID: 24360804, 28357284). Additionally, reduced COASY expression and de novo CoA biosynthesis has been demonstrated in patient fibroblasts (PMID: 24360804). Multiple lines of computational evidence predict a deleterious effect for the missense substitution (5/6 algorithms). Based on the classification scheme RMH Modified ACMG Guidelines v1.3.1, this variant is classified as PATHOGENIC. Following criteria are met: PM3_Strong, PM1, PS3_Supporting, PM2_Supporting, PP1, PP3, PP4.

GeneDx
Classification: Pathogenic. Last evaluated: 2020-04-09. Review status: criteria provided, single submitter. Criteria: GeneDx Variant Classification Process June 2021. Collection method: clinical testing. Allele origin: germline. Affected: yes.
Comment: Published functional studies demonstrate a damaging effect showing a loss of enzyme activity (Dusi et al., 2014); Not observed at a significant frequency in large population cohorts (Lek et al., 2016); In silico analysis supports that this missense variant has a deleterious effect on protein structure/function; This variant is associated with the following publications: (PMID: 28688840, 27021474, 28489334, 24360804, 29531224, 25870938, 27141409, 28357284, 27892483)

Baylor Genetics
Classification: Pathogenic for Neurodegeneration with brain iron accumulation 6. Last evaluated: 2018-06-28. Review status: criteria provided, single submitter. Criteria: ACMG Guidelines, 2015. Collection method: clinical testing. Allele origin: maternal. Affected: yes.
Comment: This variant was determined to be pathogenic according to ACMG Guidelines, 2015 [PMID:25741868]. This variant has been previously reported as pathogenic [PMID 24360804, 28489334, 28688840]

OMIM
Classification: Pathogenic for NEURODEGENERATION WITH BRAIN IRON ACCUMULATION 6. Last evaluated: 2014-01-02. Review status: no assertion criteria provided. Collection method: literature only. Allele origin: germline. Not counted in ClinVar's aggregate classification.

Literature cited by the submitters: PubMed 24360804 (cited by 6 submitters); PubMed 28688840 (cited by 3billion and Baylor Genetics); PubMed 27021474 (cited by Labcorp Genetics (formerly Invitae), Labcorp and OMIM); PubMed 28489334 (cited by 5 submitters); PubMed 33644862 (cited by Women's Health and Genetics/Laboratory Corporation of America, LabCorp); PubMed 28357284 (cited by Women's Health and Genetics/Laboratory Corporation of America, LabCorp and Molecular Genetics, Royal Melbourne Hospital); PubMed 21264299 (cited by Molecular Genetics, Royal Melbourne Hospital).